The following is an entry in ClinVar:

Conditions:
Long QT syndrome 5 (LQT5). Identifiers: Orphanet 101016, Orphanet 768, MedGen C1867904, MONDO:0013372, OMIM 613695.

Submission:

Roden Lab, Vanderbilt University Medical Center
No classification provided (evidence only). Condition: Long QT syndrome 5. Review status: no classification provided. Collection method: in vitro. Allele origin: not applicable. Functional consequence: Effect on ion channel function.
ClinVar note: "not provided" was previously submitted as the classification for the variant. However, the classification appeared to be based only on an observation of functional data so it was converted to no classification on 2025-07-30.

NM_000219.6(KCNE1):c.19A>G (p.Thr7Ala)

Gene: KCNE1 (potassium voltage-gated channel subfamily E regulatory subunit 1; minus strand). Cytogenetic location: 21q22.12.
Variant type: single nucleotide variant.
Coding change: c.19A>G on transcript NM_000219.6 (MANE Select); coding-DNA position 19, A replaced by G.
Protein change: p.Thr7Ala; replaces threonine 7 with alanine.
Molecular consequence: missense variant.
Genome position (GRCh38, 1-based): chr21:34,449,616, T>C on the plus strand (A>G on the coding strand, the complement: KCNE1 is on the minus strand). VCF-style: chr21-34449616-T-C. GRCh37 (hg19) VCF-style: chr21-35821914-T-C.
Other names: c.19A>G, p.Thr7Ala (NM_001127668.4, NM_001127669.4, NM_001127670.4 and 4 more transcripts); short protein forms T7A.
Identifiers: ClinVar variation 3374289 (VCV003374289.2).